The following is an entry in ClinVar:

NM_004006.3(DMD):c.5444A>G (p.Asp1815Gly)

Gene: DMD (dystrophin; minus strand). Cytogenetic location: Xp21.1.
Variant type: single nucleotide variant.
Coding change: c.5444A>G on transcript NM_004006.3 (MANE Select); coding-DNA position 5444, A replaced by G.
Protein change: p.Asp1815Gly; replaces aspartic acid 1815 with glycine.
Molecular consequence: missense variant.
Genome position (GRCh38, 1-based): chrX:32,348,410, T>C on the plus strand (A>G on the coding strand, the complement: DMD is on the minus strand). VCF-style: chrX-32348410-T-C. GRCh37 (hg19) VCF-style: chrX-32366527-T-C.
Other names: c.5420A>G, p.Asp1807Gly (NM_000109.4); c.5432A>G, p.Asp1811Gly (NM_004009.3); c.5075A>G, p.Asp1692Gly (NM_004010.3); c.1421A>G, p.Asp474Gly (NM_004011.4); c.1412A>G, p.Asp471Gly (NM_004012.4); short protein forms D1692G, D1807G, D1811G, D1815G, D471G, D474G.
Identifiers: ClinVar variation 2737156 (VCV002737156.4), dbSNP rs2147063753, ClinGen allele CA412667562.

ClinVar aggregate classification (germline): Likely pathogenic. Review status: criteria provided, multiple submitters, no conflicts (2 of 4 stars). 2 submissions from 2 submitters: Likely pathogenic (2). Last evaluated 2025-11-26.

Conditions:
Becker muscular dystrophy, Cardiomyopathy, Duchenne muscular dystrophy, Dystrophin deficiency.
Duchenne muscular dystrophy (DMD). Also called: MUSCULAR DYSTROPHY, PSEUDOHYPERTROPHIC PROGRESSIVE, DUCHENNE TYPE; Duchenne Muscular Dystrophy (DMD). Identifiers: Orphanet 98896, MedGen C0013264, MONDO:0010679, OMIM 310200.

Submissions (2):

Natera, Inc.
Classification: Likely pathogenic for Becker muscular dystrophy, Cardiomyopathy, Duchenne muscular dystrophy, Dystrophin deficiency. Last evaluated: 2025-11-26. Review status: criteria provided, single submitter. Criteria: Natera Variant Classification Schema (03/2026). Collection method: clinical testing. Allele origin: germline.
Comment: The c.5444A>G variant in DMD is a missense variant predicted to cause substitution of aspartic acid to glycine at amino acid 1815. This variant is rare in the general population with a frequency below the threshold expected for the associated phenotype(s). This variant has been observed in affected individual(s) with monoallelic occurrence (heterozygous/hemizygous) (PMID: 39182149, 38486238, 33376799, 23536893). Functional studies show that this variant may disrupt protein function (PMID: 23536893, 38486238). Computational prediction algorithms indicate this variant is likely to affect gene or protein function. Given the available evidence, this variant is classified as Likely Pathogenic.

Labcorp Genetics (formerly Invitae), Labcorp
Classification: Likely pathogenic for Duchenne muscular dystrophy. Last evaluated: 2023-10-23. Review status: criteria provided, single submitter. Criteria: Invitae Variant Classification Sherloc (09022015). Collection method: clinical testing. Allele origin: germline.
Comment: This sequence change replaces aspartic acid, which is acidic and polar, with glycine, which is neutral and non-polar, at codon 1815 of the DMD protein (p.Asp1815Gly). RNA analysis indicates that this missense change induces altered splicing and may result in an absent or disrupted protein product. This variant is not present in population databases (gnomAD no frequency). This missense change has been observed in individual(s) with clinical features of Duchenne muscular dystrophy (PMID: 23536893; Invitae). Advanced modeling of protein sequence and biophysical properties (such as structural, functional, and spatial information, amino acid conservation, physicochemical variation, residue mobility, and thermodynamic stability) performed at Invitae indicates that this missense variant is not expected to disrupt DMD protein function with a negative predictive value of 95%. Studies have shown that this missense change results in activation of cryptic splice site and introduces a premature termination codon (PMID: 23536893). The resulting mRNA is expected to undergo nonsense-mediated decay. In summary, the currently available evidence indicates that the variant is pathogenic, but additional data are needed to prove that conclusively. Therefore, this variant has been classified as Likely Pathogenic.

Literature cited by the submitters: PubMed 39182149 (cited by Natera, Inc.); PubMed 38486238 (cited by Natera, Inc.); PubMed 33376799 (cited by Natera, Inc.); PubMed 23536893 (cited by Natera, Inc. and Labcorp Genetics (formerly Invitae), Labcorp).